The following is an entry in ClinVar:

NM_053025.4(MYLK):c.2509G>C (p.Gly837Arg)

Gene: MYLK (myosin light chain kinase; minus strand). Cytogenetic location: 3q21.1.
Variant type: single nucleotide variant.
Coding change: c.2509G>C on transcript NM_053025.4 (MANE Select); coding-DNA position 2509, G replaced by C.
Protein change: p.Gly837Arg; replaces glycine 837 with arginine.
Molecular consequence: missense variant.
Genome position (GRCh38, 1-based): chr3:123,700,959, C>G on the plus strand (G>C on the coding strand, the complement: MYLK is on the minus strand). VCF-style: chr3-123700959-C-G. GRCh37 (hg19) VCF-style: chr3-123419806-C-G.
Other names: c.1981G>C, p.Gly661Arg (NM_001321309.2); c.2302G>C, p.Gly768Arg (NM_053026.4, NM_053028.4); c.2509G>C, p.Gly837Arg (NM_053027.4); short protein forms G837R, G661R, G768R.
Identifiers: ClinVar variation 577718 (VCV000577718.8), dbSNP rs1401139381, ClinGen allele CA354232510.

ClinVar aggregate classification (germline): Uncertain significance (1 of 4 stars; one submission).

Conditions:
Aortic aneurysm, familial thoracic 7 (AAT7). Also called: AORTIC DISSECTION, FAMILIAL, WITH OR WITHOUT AORTIC ANEURYSM. Identifiers: MedGen C3151077, MONDO:0013418, OMIM 613780.

Allele frequency attached by ClinVar (database versions not stated): gnomAD 0.00001; TOPMed 0.00001.
gnomAD v4.1: 2 of 1,609,804 alleles (0.00012%); highest among the groups gnomAD compares: African/African-American, 0.0013%; no homozygotes.

Submission:

Labcorp Genetics (formerly Invitae), Labcorp
Classification: Uncertain significance for Aortic aneurysm, familial thoracic 7. Last evaluated: 2025-02-03. Review status: criteria provided, single submitter. Criteria: Invitae Variant Classification Sherloc (09022015). Collection method: clinical testing. Allele origin: germline.
Comment: This sequence change replaces glycine, which is neutral and non-polar, with arginine, which is basic and polar, at codon 837 of the MYLK protein (p.Gly837Arg). This variant is not present in population databases (gnomAD no frequency). This variant has not been reported in the literature in individuals affected with MYLK-related conditions. ClinVar contains an entry for this variant (Variation ID: 577718). Invitae Evidence Modeling of protein sequence and biophysical properties (such as structural, functional, and spatial information, amino acid conservation, physicochemical variation, residue mobility, and thermodynamic stability) indicates that this missense variant is not expected to disrupt MYLK protein function with a negative predictive value of 95%. In summary, the available evidence is currently insufficient to determine the role of this variant in disease. Therefore, it has been classified as a Variant of Uncertain Significance.